The following is an entry in ClinVar:

ClinVar aggregate classification (germline): Uncertain significance. Review status: criteria provided, multiple submitters, no conflicts (2 of 4 stars). 2 submissions from 2 submitters: Uncertain significance (2). Last evaluated 2025-10-10.

Conditions:
AIPL1-related disorder. Also called: AIPL1-related disorders; AIPL1-related condition. Identifiers: MedGen CN239169.
Inborn genetic diseases. Identifiers: MedGen C0950123, MeSH D030342.

Allele frequency attached by ClinVar (database versions not stated): gnomAD 0.00001; TOPMed 0.00002; ExAC 0.00003.
gnomAD v4.1: 12 of 1,609,780 alleles (0.00075%); highest among the groups gnomAD compares: Non-Finnish European, 0.00085%; no homozygotes.

Submissions (2):

PreventionGenetics, part of Exact Sciences
Classification: Uncertain significance for AIPL1-related condition. Last evaluated: 2025-10-10. Review status: criteria provided, single submitter. Criteria: ACMG Guidelines, 2015. Collection method: clinical testing. Allele origin: germline.
Comment: The AIPL1 c.1102G>A variant is predicted to result in the amino acid substitution p.Ala368Thr. To our knowledge, this variant has not been reported in the literature. This variant is reported in 0.0036% of alleles in individuals of European (Non-Finnish) descent in gnomAD. At this time, the clinical significance of this variant is uncertain due to the absence of conclusive functional and genetic evidence.

Ambry Genetics
Classification: Uncertain significance for Inborn genetic diseases. Last evaluated: 2021-12-20. Review status: criteria provided, single submitter. Criteria: Ambry Variant Classification Scheme 2023. Collection method: clinical testing. Allele origin: germline.

NM_014336.5(AIPL1):c.1102G>A (p.Ala368Thr)

Gene: AIPL1 (AIP like 1 HSP90 co-chaperone; minus strand). Cytogenetic location: 17p13.2.
Variant type: single nucleotide variant.
Coding change: c.1102G>A on transcript NM_014336.5 (MANE Select); coding-DNA position 1102, G replaced by A.
Protein change: p.Ala368Thr; replaces alanine 368 with threonine.
Molecular consequence: missense variant. On other transcripts: 3 prime UTR variant (1).
Genome position (GRCh38, 1-based): chr17:6,425,513, C>T on the plus strand (G>A on the coding strand, the complement: AIPL1 is on the minus strand). VCF-style: chr17-6425513-C-T. GRCh37 (hg19) VCF-style: chr17-6328833-C-T.
Other names: c.913G>A, p.Ala305Thr (NM_001033054.3); c.922G>A, p.Ala308Thr (NM_001033055.3); c.1066G>A, p.Ala356Thr (NM_001285399.3); c.1036G>A, p.Ala346Thr (NM_001285400.3); c.1030G>A, p.Ala344Thr (NM_001285401.3); c.985G>A, p.Ala329Thr (NM_001285402.2); c.*1073G>A (NM_001285403.4); c.1102G>A (NM_014336.4); short protein forms A305T, A356T, A344T, A308T, A329T, A346T, A368T.
Identifiers: ClinVar variation 2268159 (VCV002268159.3), dbSNP rs746453263, ClinGen allele CA8328311.